The following is an entry in ClinVar:

NM_206933.4(USH2A):c.3131T>A (p.Val1044Asp)

Genes: USH2A (usherin; minus strand), USH2A-AS1 (USH2A antisense RNA 1; plus strand). Cytogenetic location: 1q41.
Variant type: single nucleotide variant.
Coding change: c.3131T>A on transcript NM_206933.4 (MANE Select); coding-DNA position 3131, T replaced by A.
Protein change: p.Val1044Asp; replaces valine 1044 with aspartic acid.
Molecular consequence: missense variant.
Genome position (GRCh38, 1-based): chr1:216,217,413, A>T on the plus strand (T>A on the coding strand, the complement: USH2A is on the minus strand). VCF-style: chr1-216217413-A-T. GRCh37 (hg19) VCF-style: chr1-216390755-A-T.
Other names: c.3131T>A, p.Val1044Asp (NM_007123.6); short protein forms V1044D.
Identifiers: ClinVar variation 1465610 (VCV001465610.6), dbSNP rs2102496261, ClinGen allele CA344862721.

ClinVar aggregate classification (germline): Uncertain significance (1 of 4 stars; one submission).

Submission:

Labcorp Genetics (formerly Invitae), Labcorp
Classification: Uncertain significance. Last evaluated: 2022-02-11. Review status: criteria provided, single submitter. Criteria: Invitae Variant Classification Sherloc (09022015). Collection method: clinical testing. Allele origin: germline.
Comment: In summary, the available evidence is currently insufficient to determine the role of this variant in disease. Therefore, it has been classified as a Variant of Uncertain Significance. Algorithms developed to predict the effect of missense changes on protein structure and function are either unavailable or do not agree on the potential impact of this missense change (SIFT: "Deleterious"; PolyPhen-2: "Benign"; Align-GVGD: "Class C15"). This variant has not been reported in the literature in individuals affected with USH2A-related conditions. This variant is not present in population databases (gnomAD no frequency). This sequence change replaces valine, which is neutral and non-polar, with aspartic acid, which is acidic and polar, at codon 1044 of the USH2A protein (p.Val1044Asp).